The following is an entry in ClinVar:

NM_004320.6(ATP2A1):c.857G>A (p.Gly286Asp)

Gene: ATP2A1 (ATPase sarcoplasmic/endoplasmic reticulum Ca2+ transporting 1; plus strand). Cytogenetic location: 16p11.2.
Variant type: single nucleotide variant.
Coding change: c.857G>A on transcript NM_004320.6 (MANE Select); coding-DNA position 857, G replaced by A.
Protein change: p.Gly286Asp; replaces glycine 286 with aspartic acid.
Molecular consequence: missense variant.
Genome position (GRCh38, 1-based): chr16:28,887,651, G>A. VCF-style: chr16-28887651-G-A. GRCh37 (hg19) VCF-style: chr16-28898972-G-A.
Other names: c.857G>A (NM_173201.3); c.482G>A, p.Gly161Asp (NM_001286075.2); c.857G>A, p.Gly286Asp (NM_173201.5); short protein forms G161D, G286D.
Identifiers: ClinVar variation 1378110 (VCV001378110.5), dbSNP rs771239706, ClinGen allele CA7986775.

ClinVar aggregate classification (germline): Uncertain significance. Review status: criteria provided, multiple submitters, no conflicts (2 of 4 stars). 2 submissions from 2 submitters: Uncertain significance (2). Last evaluated 2022-09-13.

Conditions:
Brody myopathy. Also called: BRODY DISEASE. Identifiers: Orphanet 53347, MedGen C1832918, MONDO:0010977, OMIM 601003.

Allele frequency attached by ClinVar (database versions not stated): gnomAD exomes 0.00001; TOPMed 0.00001; ExAC 0.00002.

Submissions (2):

Labcorp Genetics (formerly Invitae), Labcorp
Classification: Uncertain significance for Brody myopathy. Last evaluated: 2022-09-13. Review status: criteria provided, single submitter. Criteria: Invitae Variant Classification Sherloc (09022015). Collection method: clinical testing. Allele origin: germline.
Comment: This sequence change replaces glycine, which is neutral and non-polar, with aspartic acid, which is acidic and polar, at codon 286 of the ATP2A1 protein (p.Gly286Asp). This variant is present in population databases (rs771239706, gnomAD 0.002%). This variant has not been reported in the literature in individuals affected with ATP2A1-related conditions. ClinVar contains an entry for this variant (Variation ID: 1378110). Algorithms developed to predict the effect of missense changes on protein structure and function are either unavailable or do not agree on the potential impact of this missense change (SIFT: "Deleterious"; PolyPhen-2: "Probably Damaging"; Align-GVGD: "Class C0"). In summary, the available evidence is currently insufficient to determine the role of this variant in disease. Therefore, it has been classified as a Variant of Uncertain Significance.

Revvity Omics, Revvity
Classification: Uncertain significance for Brody myopathy. Last evaluated: 2019-07-21. Review status: criteria provided, single submitter. Criteria: ACMG Guidelines, 2015. Collection method: clinical testing. Allele origin: germline.